The following is an entry in ClinVar:

ClinVar aggregate classification (germline): Conflicting classifications of pathogenicity. Review status: criteria provided, conflicting classifications (1 of 4 stars). 4 submissions from 4 submitters: Uncertain significance (3); Likely benign (1). Last evaluated 2025-07-29.

Conditions:
Familial cancer of breast. Also called: Hereditary breast cancer; BREAST CANCER, FAMILIAL; hereditary breast carcinoma. Identifiers: Orphanet 227535, MedGen C0346153, MONDO:0016419, OMIM 114480. Disease mechanism: loss of function.
Fanconi anemia complementation group J. Also called: BRIP1-Related Fanconi Anemia. Identifiers: Orphanet 84, MedGen C1836860, MONDO:0012187, OMIM 609054.
Hereditary cancer-predisposing syndrome. Also called: Hereditary Cancer Syndrome; Neoplastic Syndromes, Hereditary; Hereditary neoplastic syndrome; Tumor predisposition. Identifiers: Orphanet 140162, MedGen C0027672, MeSH D009386, MONDO:0015356.

Allele frequency attached by ClinVar (database versions not stated): ExAC 0.00001; gnomAD exomes 0.00001; TOPMed 0.00001.
gnomAD v4.1: 3 of 1,612,642 alleles (0.00019%); highest among the groups gnomAD compares: Admixed American, 0.0033%; no homozygotes.

Submissions (4):

Labcorp Genetics (formerly Invitae), Labcorp
Classification: Uncertain significance for Familial cancer of breast; Fanconi anemia complementation group J. Last evaluated: 2025-07-29. Review status: criteria provided, single submitter. Criteria: Invitae Variant Classification Sherloc (09022015). Collection method: clinical testing. Allele origin: germline.
Comment: This sequence change replaces arginine, which is basic and polar, with glycine, which is neutral and non-polar, at codon 1154 of the BRIP1 protein (p.Arg1154Gly). This variant is present in population databases (rs769359514, gnomAD 0.003%). This variant has not been reported in the literature in individuals affected with BRIP1-related conditions. ClinVar contains an entry for this variant (Variation ID: 803447). Invitae Evidence Modeling of protein sequence and biophysical properties (such as structural, functional, and spatial information, amino acid conservation, physicochemical variation, residue mobility, and thermodynamic stability) indicates that this missense variant is not expected to disrupt BRIP1 protein function with a negative predictive value of 95%. In summary, the available evidence is currently insufficient to determine the role of this variant in disease. Therefore, it has been classified as a Variant of Uncertain Significance.

Women's Health and Genetics/Laboratory Corporation of America, LabCorp
Classification: Uncertain significance. Last evaluated: 2021-09-23. Review status: criteria provided, single submitter. Criteria: LabCorp Variant Classification Summary - May 2015. Collection method: clinical testing. Allele origin: germline.
Comment: Variant summary: BRIP1 c.3460A>G (p.Arg1154Gly) results in a non-conservative amino acid change in the encoded protein sequence. Four of five in-silico tools predict a benign effect of the variant on protein function. The variant allele was found at a frequency of 1.6e-05 in 250694 control chromosomes (gnomAD and publication data). The available data on variant occurrences in the general population are insufficient to allow any conclusion about variant significance. To our knowledge, no occurrence of c.3460A>G in individuals affected with Hereditary Breast And Ovarian Cancer Syndrome and no experimental evidence demonstrating its impact on protein function have been reported. Two ClinVar submitters (evaluation after 2014) cite the variant as uncertain significance. Based on the evidence outlined above, the variant was classified as uncertain significance.

Ambry Genetics
Classification: Likely benign for Hereditary cancer-predisposing syndrome. Last evaluated: 2021-01-06. Review status: criteria provided, single submitter. Criteria: Ambry Variant Classification Scheme 2023. Collection method: clinical testing. Allele origin: germline.

Mendelics
Classification: Uncertain significance for Familial cancer of breast. Last evaluated: 2019-05-28. Review status: criteria provided, single submitter. Criteria: Mendelics Assertion Criteria 2017. Collection method: clinical testing. Allele origin: unknown.

Literature cited by the submitters: PubMed 31206626 (cited by Women's Health and Genetics/Laboratory Corporation of America, LabCorp).

NM_032043.3(BRIP1):c.3460A>G (p.Arg1154Gly)

Gene: BRIP1 (BRCA1 interacting DNA helicase 1; minus strand). Cytogenetic location: 17q23.2.
Variant type: single nucleotide variant.
Coding change: c.3460A>G on transcript NM_032043.3 (MANE Select); coding-DNA position 3460, A replaced by G.
Protein change: p.Arg1154Gly; replaces arginine 1154 with glycine.
Molecular consequence: missense variant.
Genome position (GRCh38, 1-based): chr17:61,683,586, T>C on the plus strand (A>G on the coding strand, the complement: BRIP1 is on the minus strand). VCF-style: chr17-61683586-T-C. GRCh37 (hg19) VCF-style: chr17-59760947-T-C.
Other names: short protein forms R1154G.
Identifiers: ClinVar variation 803447 (VCV000803447.15), dbSNP rs769359514, ClinGen allele CA8690362.